The following is an entry in ClinVar:

NM_001374736.1(DST):c.17067G>A (p.Leu5689=)

Gene: DST (dystonin; minus strand). Cytogenetic location: 6p12.1.
Variant type: single nucleotide variant.
Coding change: c.17067G>A on transcript NM_001374736.1 (MANE Select); coding-DNA position 17067, G replaced by A.
Protein change: p.Leu5689=; no amino-acid change (leucine 5689 retained).
Molecular consequence: synonymous variant.
Genome position (GRCh38, 1-based): chr6:56,532,385, C>T on the plus strand (G>A on the coding strand, the complement: DST is on the minus strand). VCF-style: chr6-56532385-C-T. GRCh37 (hg19) VCF-style: chr6-56397183-C-T.
Other names: c.10710G>A, p.Leu3570= (NM_001144769.5); c.10296G>A, p.Leu3432= (NM_001144770.2); c.17067G>A, p.Leu5689= (NM_001374722.1); c.16434G>A, p.Leu5478= (NM_001374729.1); c.10176G>A, p.Leu3392= (NM_001374730.1, NM_001386100.1, NM_183380.4); c.17094G>A, p.Leu5698= (NM_001374734.1); c.9198G>A, p.Leu3066= (NM_015548.5).
Identifiers: ClinVar variation 2183312 (VCV002183312.1), dbSNP rs376183912, ClinGen allele CA139192037.

ClinVar aggregate classification (germline): Uncertain significance (1 of 4 stars; one submission).

Conditions:
Epidermolysis bullosa simplex 3, localized or generalized intermediate, with BP230 deficiency (EBS3). Also called: Epidermolysis bullosa simplex due to BP230 deficiency; Epidermolysis bullosa simplex, autosomal recessive 2. Identifiers: Orphanet 412181, MedGen C3809470, MONDO:0014180, OMIM 615425.
Hereditary sensory and autonomic neuropathy type 6. Also called: Neuropathy, hereditary sensory and autonomic, type VI; HSAN VI. Identifiers: Orphanet 314381, MedGen C3539003, MONDO:0013839, OMIM 614653.

Allele frequency attached by ClinVar (database versions not stated): gnomAD exomes below 0.00001.
gnomAD v4.1: 8 of 1,613,638 alleles (0.0005%); highest among the groups gnomAD compares: African/African-American, 0.0067%; no homozygotes.

Submission:

Labcorp Genetics (formerly Invitae), Labcorp
Classification: Uncertain significance for Epidermolysis bullosa simplex 3, localized or generalized intermediate, with BP230 deficiency; Hereditary sensory and autonomic neuropathy type 6. Last evaluated: 2022-06-20. Review status: criteria provided, single submitter. Criteria: Invitae Variant Classification Sherloc (09022015). Collection method: clinical testing. Allele origin: germline.
Comment: The DST gene has multiple clinically relevant transcripts. This variant occurs in alternate transcript NM_015548.4, and corresponds to NM_001723.5:c.*83132G>A in the primary transcript. This sequence change affects codon 3066 of the DST mRNA. It is a 'silent' change, meaning that it does not change the encoded amino acid sequence of the DST protein. This variant is not present in population databases (gnomAD no frequency). This variant has not been reported in the literature in individuals affected with DST-related conditions. Experimental studies and prediction algorithms are not available or were not evaluated, and the effect of this variant on mRNA splicing is currently unknown. In summary, the available evidence is currently insufficient to determine the role of this variant in disease. Therefore, it has been classified as a Variant of Uncertain Significance.